The following is an entry in ClinVar:

NM_012452.3(TNFRSF13B):c.753del (p.Asp252fs)

Gene: TNFRSF13B (TNF receptor superfamily member 13B; minus strand). Cytogenetic location: 17p11.2.
Variant type: Deletion.
Coding change: c.753del on transcript NM_012452.3 (MANE Select); coding-DNA position 753, one base deleted (C; older notation c.753delC).
Protein change: p.Asp252fs; shifts the reading frame from aspartic acid 252.
Molecular consequence: frameshift variant.
Genome position (GRCh38, 1-based): chr17:16,939,676, G deleted on the plus strand (C on the coding strand, the reverse complement: TNFRSF13B is on the minus strand); the first of 5 consecutive G bases (chr17:16,939,676-16,939,680); deleting any one gives the same sequence. VCF-style (leftmost placement, unchanged base first): chr17-16939675-CG-C. GRCh37 (hg19) VCF-style: chr17-16842989-CG-C.
Other names: short protein forms D252fs.
Identifiers: ClinVar variation 1041356 (VCV001041356.4), dbSNP rs755752100, ClinGen allele CA8413857.

ClinVar aggregate classification (germline): Uncertain significance (1 of 4 stars; one submission).

Conditions:
Immunodeficiency, common variable, 2 (CVID2). Also called: ANTIBODY DEFICIENCY DUE TO TACI DEFECT; HYPOGAMMAGLOBULINEMIA DUE TO TACI DEFICIENCY. Identifiers: Orphanet 1572, MedGen C3150354, MONDO:0009413, OMIM 240500.

Submission:

Labcorp Genetics (formerly Invitae), Labcorp
Classification: Uncertain significance for Immunodeficiency, common variable, 2. Last evaluated: 2024-02-17. Review status: criteria provided, single submitter. Criteria: Invitae Variant Classification Sherloc (09022015). Collection method: clinical testing. Allele origin: germline.
Comment: This sequence change results in a frameshift in the TNFRSF13B gene (p.Asp252Thrfs*72). While this is not anticipated to result in nonsense mediated decay, it is expected to disrupt the last 42 amino acid(s) of the TNFRSF13B protein and extend the protein by 29 additional amino acid residues. The frequency data for this variant in the population databases is considered unreliable, as metrics indicate poor data quality at this position in the gnomAD database. This variant has not been reported in the literature in individuals affected with TNFRSF13B-related conditions. ClinVar contains an entry for this variant (Variation ID: 1041356). Experimental studies and prediction algorithms are not available or were not evaluated, and the functional significance of this variant is currently unknown. In summary, the available evidence is currently insufficient to determine the role of this variant in disease. Therefore, it has been classified as a Variant of Uncertain Significance.